The following is an entry in ClinVar:

NM_000080.4(CHRNE):c.1252_1254dup (p.Pro418_Glu419insPro)

Gene: CHRNE (cholinergic receptor nicotinic epsilon subunit; minus strand). Cytogenetic location: 17p13.2.
Variant type: Duplication.
Coding change: c.1252_1254dup on transcript NM_000080.4 (MANE Select); coding-DNA positions 1252 to 1254, 3 bases duplicated (CCC; older notation c.1252_1254dupCCC).
Protein change: p.Pro418_Glu419insPro.
Molecular consequence: inframe insertion.
Genome position (GRCh38, 1-based): chr17:4,899,073-4,899,075, GGG duplicated on the plus strand (CCC on the coding strand, the reverse complement: CHRNE is on the minus strand); duplicating any 3 consecutive bases within chr17:4,899,073-4,899,077 gives the same sequence; the c. name uses the placement nearest the transcript's 3' end. VCF-style (leftmost placement, unchanged base first): chr17-4899072-C-CGGG. GRCh37 (hg19) VCF-style: chr17-4802367-C-CGGG.
Identifiers: ClinVar variation 2145225 (VCV002145225.1), dbSNP rs769945146, ClinGen allele CA8313918.

ClinVar aggregate classification (germline): Uncertain significance (1 of 4 stars; one submission).

Conditions:
Congenital myasthenic syndrome 4A. Also called: Myasthenic syndrome, congenital, 4a, slow-channel; CONGENITAL MYASTHENIC SYNDROME TYPE Ia1; MYASTHENIC SYNDROME, CONGENITAL, 4A, SLOW-CHANNEL, AUTOSOMAL RECESSIVE. Identifiers: Orphanet 590, MedGen C4225413, MONDO:0011600, OMIM 605809.

Submission:

Labcorp Genetics (formerly Invitae), Labcorp
Classification: Uncertain significance for Congenital myasthenic syndrome 4A. Last evaluated: 2022-04-22. Review status: criteria provided, single submitter. Criteria: Invitae Variant Classification Sherloc (09022015). Collection method: clinical testing. Allele origin: germline.
Comment: This variant, c.1252_1254dup, results in the insertion of 1 amino acid(s) of the CHRNE protein (p.Pro418dup), but otherwise preserves the integrity of the reading frame. This variant is present in population databases (rs769945146, gnomAD 0.005%). This variant has not been reported in the literature in individuals affected with CHRNE-related conditions. Experimental studies and prediction algorithms are not available or were not evaluated, and the functional significance of this variant is currently unknown. In summary, the available evidence is currently insufficient to determine the role of this variant in disease. Therefore, it has been classified as a Variant of Uncertain Significance.